The following is an entry in ClinVar:

ClinVar aggregate classification (germline): Uncertain significance. Review status: criteria provided, multiple submitters, no conflicts (2 of 4 stars). 6 submissions from 6 submitters: Uncertain significance (5). 1 of the submissions does not count toward it. Last evaluated 2025-12-13.

Conditions:
Dyskeratosis congenita, autosomal recessive 5 (DKCB5). Identifiers: MedGen C3554656, MONDO:0014076, OMIM 615190.
Pulmonary fibrosis and/or bone marrow failure, Telomere-related, 3. Also called: PULMONARY FIBROSIS AND/OR BONE MARROW FAILURE SYNDROME, TELOMERE-RELATED, 3. Identifiers: Orphanet 2032, MedGen C4225346, MONDO:0014613, OMIM 616373.
Dyskeratosis congenita. Identifiers: Orphanet 1775, MedGen C0265965, MONDO:0015780.
Inborn genetic diseases. Identifiers: MedGen C0950123, MeSH D030342.

Allele frequency attached by ClinVar (database versions not stated): gnomAD exomes 0.00003 and 0.00005; ExAC 0.00006; ESP Exome Variant Server 0.00008; gnomAD 0.00013 and 0.00014; TOPMed 0.00014.
gnomAD v4.1: 63 of 1,612,078 alleles (0.0039%); highest among the groups gnomAD compares: African/African-American, 0.045%; no homozygotes.

Submissions (6):

Mayo Clinic Laboratories, Mayo Clinic
Classification: Uncertain significance. Last evaluated: 2025-12-13. Review status: criteria provided, single submitter. Criteria: ACMG Guidelines, 2015. Collection method: clinical testing. Allele origin: germline. Observed: 1 variant allele.

Labcorp Genetics (formerly Invitae), Labcorp
Classification: Uncertain significance for Dyskeratosis congenita, autosomal recessive 5; Pulmonary fibrosis and/or bone marrow failure, Telomere-related, 3. Last evaluated: 2025-01-23. Review status: criteria provided, single submitter. Criteria: Invitae Variant Classification Sherloc (09022015). Collection method: clinical testing. Allele origin: germline.
Comment: This sequence change replaces arginine, which is basic and polar, with cysteine, which is neutral and slightly polar, at codon 1121 of the RTEL1 protein (p.Arg1121Cys). This variant is present in population databases (rs374441172, gnomAD 0.05%). This variant has not been reported in the literature in individuals affected with RTEL1-related conditions. ClinVar contains an entry for this variant (Variation ID: 947153). An algorithm developed to predict the effect of missense changes on protein structure and function (PolyPhen-2) suggests that this variant is likely to be disruptive. In summary, the available evidence is currently insufficient to determine the role of this variant in disease. Therefore, it has been classified as a Variant of Uncertain Significance.

GeneDx
Classification: Uncertain significance. Last evaluated: 2024-09-10. Review status: criteria provided, single submitter. Criteria: GeneDx Variant Classification Process June 2021. Collection method: clinical testing. Allele origin: germline. Affected: yes.
Comment: In silico analysis supports that this missense variant has a deleterious effect on protein structure/function; In silico analysis suggests this variant may impact gene splicing. In the absence of RNA/functional studies, the actual effect of this sequence change is unknown.; Has not been previously published as pathogenic or benign to our knowledge

Ambry Genetics
Classification: Uncertain significance for Inborn genetic diseases. Last evaluated: 2023-08-15. Review status: criteria provided, single submitter. Criteria: Ambry Variant Classification Scheme 2023. Collection method: clinical testing. Allele origin: germline.

Sema4
Classification: Uncertain significance for Dyskeratosis congenita. Last evaluated: 2021-10-28. Review status: criteria provided, single submitter. Criteria: Sema4 Curation Guidelines. Collection method: curation. Allele origin: germline.
Comment: The RTEL1 c.3361C>T (p.R1121C) variant has not been reported in the literature to our knowledge. It was observed in 11/24502 chromosomes of the African/African American subpopulation, with no homozygotes, in the large and broad cohorts of the Genome Aggregation Database (PMID: 32461654). The variant has been reported in ClinVar (Variation ID 947153). Functional studies have not been performed, and in silico predictions of the variant's effect on protein function are inconclusive. The evidence is insufficient to meet ACMG/AMP criteria for classifying the variant as benign or pathogenic. Thus, the clinical significance of this variant is currently uncertain.

Natera, Inc.
Classification: Uncertain significance for Dyskeratosis congenita. Last evaluated: 2020-04-22. Review status: no assertion criteria provided. Collection method: clinical testing. Allele origin: germline. Not counted in ClinVar's aggregate classification.

NM_001283009.2(RTEL1):c.3361C>T (p.Arg1121Cys)

Genes: RTEL1 (regulator of telomere elongation helicase 1; plus strand), RTEL1-TNFRSF6B (RTEL1-TNFRSF6B readthrough (NMD candidate); plus strand). Cytogenetic location: 20q13.33.
Variant type: single nucleotide variant.
Coding change: c.3361C>T on transcript NM_001283009.2 (MANE Select); coding-DNA position 3361, C replaced by T.
Protein change: p.Arg1121Cys; replaces arginine 1121 with cysteine.
Molecular consequence: missense variant. On other transcripts: non-coding transcript variant (1).
Genome position (GRCh38, 1-based): chr20:63,695,083, C>T. VCF-style: chr20-63695083-C-T. GRCh37 (hg19) VCF-style: chr20-62326436-C-T.
Other names: p.Arg1121Cys; c.2692C>T, p.Arg898Cys (NM_001283010.1); c.3361C>T, p.Arg1121Cys (NM_016434.4); c.3433C>T, p.Arg1145Cys (NM_032957.5); c.3433C>T (NM_032957.4); short protein forms R898C, R1121C, R1145C.
Identifiers: ClinVar variation 947153 (VCV000947153.11), dbSNP rs374441172, ClinGen allele CA9966004.
Genomic context (GRCh38, chr20:63,695,083, plus strand): 5'-ACAAAATGGGGGCTGTGCCGGGTCTGATTGAAGCTCCCCGCAGGGTTCAGCATGTTTGTG[C>T]GTCCACACCACAAGCAGCGCTTCTCACAGACGTGCACAGACCTGACCGGCCGGCCCTACC-3'
Protein context (NP_001269938.1, residues 1111-1131): PLLHRFSMFV[Arg1121Cys]PHHKQRFSQT